The following is an entry in ClinVar:

ClinVar aggregate classification (germline): Uncertain significance. Review status: criteria provided, multiple submitters, no conflicts (2 of 4 stars). 2 submissions from 2 submitters: Uncertain significance (2). Last evaluated 2025-02-18.

Conditions:
KBG syndrome (KBGS). Also called: ANKRD11-Related KBG Syndrome. Identifiers: Orphanet 2332, MedGen C0220687, MONDO:0007846, OMIM 148050.

Allele frequency attached by ClinVar (database versions not stated): gnomAD exomes below 0.00001; gnomAD 0.00001; TOPMed 0.00001.
gnomAD v4.1: 3 of 1,613,122 alleles (0.00019%); highest among the groups gnomAD compares: African/African-American, 0.0027%; no homozygotes.

Submissions (2):

Labcorp Genetics (formerly Invitae), Labcorp
Classification: Uncertain significance for KBG syndrome. Last evaluated: 2025-02-18. Review status: criteria provided, single submitter. Criteria: Invitae Variant Classification Sherloc (09022015). Collection method: clinical testing. Allele origin: germline.
Comment: This sequence change replaces aspartic acid, which is acidic and polar, with glycine, which is neutral and non-polar, at codon 511 of the ANKRD11 protein (p.Asp511Gly). This variant is not present in population databases (gnomAD no frequency). This variant has not been reported in the literature in individuals affected with ANKRD11-related conditions. ClinVar contains an entry for this variant (Variation ID: 1308953). Invitae Evidence Modeling of protein sequence and biophysical properties (such as structural, functional, and spatial information, amino acid conservation, physicochemical variation, residue mobility, and thermodynamic stability) indicates that this missense variant is not expected to disrupt ANKRD11 protein function with a negative predictive value of 95%. In summary, the available evidence is currently insufficient to determine the role of this variant in disease. Therefore, it has been classified as a Variant of Uncertain Significance.

GeneDx
Classification: Uncertain significance. Last evaluated: 2019-10-10. Review status: criteria provided, single submitter. Criteria: GeneDx Variant Classification Process June 2021. Collection method: clinical testing. Allele origin: germline. Affected: yes.
Comment: Has not been previously published as pathogenic or benign to our knowledge; Not observed in large population cohorts (Lek et al., 2016); In silico analysis, which includes protein predictors and evolutionary conservation, supports a deleterious effect

NM_013275.6(ANKRD11):c.1532A>G (p.Asp511Gly)

Gene: ANKRD11 (ankyrin repeat domain 11; minus strand). Cytogenetic location: 16q24.3.
Variant type: single nucleotide variant.
Coding change: c.1532A>G on transcript NM_013275.6 (MANE Select); coding-DNA position 1532, A replaced by G.
Protein change: p.Asp511Gly; replaces aspartic acid 511 with glycine.
Molecular consequence: missense variant.
Genome position (GRCh38, 1-based): chr16:89,285,010, T>C on the plus strand (A>G on the coding strand, the complement: ANKRD11 is on the minus strand). VCF-style: chr16-89285010-T-C. GRCh37 (hg19) VCF-style: chr16-89351418-T-C.
Other names: c.1532A>G, p.Asp511Gly (NM_001256182.2, NM_001256183.2); short protein forms D511G.
Identifiers: ClinVar variation 1308953 (VCV001308953.3), dbSNP rs1159880298, ClinGen allele CA397164754.